The following is an entry in ClinVar:

NM_001492.6(GDF1):c.-1107C>G

Genes: CERS1 (ceramide synthase 1; minus strand), GDF1 (growth differentiation factor 1; minus strand). Cytogenetic location: 19p13.11.
Variant type: single nucleotide variant.
Coding change: c.-1107C>G on transcript NM_001492.6 (MANE Select); 1107 bases upstream of the start codon, C replaced by G.
Molecular consequence: 5 prime UTR variant. On other transcripts: synonymous variant (5), intron variant (3).
Genome position (GRCh38, 1-based): chr19:18,895,857, G>C on the plus strand (C>G on the coding strand, the complement: GDF1 is on the minus strand). VCF-style: chr19-18895857-G-C. GRCh37 (hg19) VCF-style: chr19-19006666-G-C.
Other names: c.216C>G, p.Ala72= (NM_001387439.1, NM_001387440.1, NM_001387441.1 and 2 more transcripts); c.-313C>G (NM_001387444.1); c.-260C>G (NM_001387445.1); c.-687C>G (NM_001387438.1); c.-46+869C>G (NM_001387443.1); c.-46+704C>G (NM_001387442.1, NM_001290265.2).
Identifiers: ClinVar variation 402896 (VCV000402896.14), dbSNP rs3746263, ClinGen allele CA9318342.
Genomic context (GRCh38, chr19:18,895,857, plus strand): 5'-CTCGTCCCGGCCCCCGGCCACACTGACCCGAAAGAGGCGCGCAGTGGCCGCGGAGCGCAG[G>C]GCGGTCCAGCCCAGCGCGCCGAGCGCCAGCAGCAGCAGCTCGGGCGGCGCCAGGTGCGCG-3'

ClinVar aggregate classification (germline): Benign. Review status: criteria provided, multiple submitters, no conflicts (2 of 4 stars). 3 submissions from 3 submitters: Benign (3). Last evaluated 2026-02-03.

Conditions:
Progressive myoclonic epilepsy type 8. Identifiers: Orphanet 424027, MedGen C5190825, MONDO:0014545, OMIM 616230.

Allele frequency attached by ClinVar (database versions not stated): gnomAD exomes 0.56957; ExAC 0.60312; 1000 Genomes Project 0.63858; 1000 Genomes Project 30x 0.64834; gnomAD 0.70534 and 0.71463; TOPMed 0.72784.
gnomAD v4.1: 876,443 of 1,293,584 alleles (68%); highest among the groups gnomAD compares: Middle Eastern, 81%; 301,065 homozygotes.

Submissions (3):

Labcorp Genetics (formerly Invitae), Labcorp
Classification: Benign for Progressive myoclonic epilepsy type 8. Last evaluated: 2026-02-03. Review status: criteria provided, single submitter. Criteria: Invitae Variant Classification Sherloc (09022015). Collection method: clinical testing. Allele origin: germline.

Laboratory for Molecular Medicine, Mass General Brigham Personalized Medicine
Classification: Benign. Last evaluated: 2016-03-28. Review status: criteria provided, single submitter. Criteria: LMM Criteria. Collection method: clinical testing. Allele origin: germline.
Comment: Variant identified in a genome or exome case(s) and assessed due to predicted null impact of the variant or pathogenic assertions in the literature or databases. Disclaimer: This variant has not undergone full assessment. The following are preliminary notes: MAF

Breakthrough Genomics
Classification: Benign. Review status: criteria provided, single submitter. Criteria: ACMG Guidelines, 2015. Collection method: not provided. Allele origin: germline. Inheritance: Autosomal recessive inheritance. Affected: yes.